The following is an entry in ClinVar:

ClinVar aggregate classification (germline): Uncertain significance (1 of 4 stars; one submission).

Submission:

Labcorp Genetics (formerly Invitae), Labcorp
Classification: Uncertain significance. Last evaluated: 2024-09-03. Review status: criteria provided, single submitter. Criteria: Invitae Variant Classification Sherloc (09022015). Collection method: clinical testing. Allele origin: germline.
Comment: This sequence change replaces asparagine, which is neutral and polar, with serine, which is neutral and polar, at codon 77 of the MBTPS2 protein (p.Asn77Ser). This variant is not present in population databases (gnomAD no frequency). This variant has not been reported in the literature in individuals affected with MBTPS2-related conditions. Invitae Evidence Modeling of protein sequence and biophysical properties (such as structural, functional, and spatial information, amino acid conservation, physicochemical variation, residue mobility, and thermodynamic stability) indicates that this missense variant is not expected to disrupt MBTPS2 protein function with a negative predictive value of 80%. In summary, the available evidence is currently insufficient to determine the role of this variant in disease. Therefore, it has been classified as a Variant of Uncertain Significance.

NM_015884.4(MBTPS2):c.230A>G (p.Asn77Ser)

Gene: MBTPS2 (membrane bound transcription factor peptidase, site 2; plus strand). Cytogenetic location: Xp22.12.
Variant type: single nucleotide variant.
Coding change: c.230A>G on transcript NM_015884.4 (MANE Select); coding-DNA position 230, A replaced by G.
Protein change: p.Asn77Ser; replaces asparagine 77 with serine.
Molecular consequence: missense variant.
Genome position (GRCh38, 1-based): chrX:21,845,176, A>G. VCF-style: chrX-21845176-A-G. GRCh37 (hg19) VCF-style: chrX-21863294-A-G.
Other names: short protein forms N77S.
Identifiers: ClinVar variation 3664409 (VCV003664409.2).